The following is an entry in ClinVar:

ClinVar aggregate classification (germline): Likely pathogenic (1 of 4 stars; one submission).

Conditions:
alpha Thalassemia. Also called: Alpha thalassemia spectrum. Identifiers: Orphanet 846, MedGen C0002312, MONDO:0011399, OMIM 604131.

Submission:

Natera, Inc.
Classification: Likely pathogenic for Alpha thalassemia. Last evaluated: 2025-12-02. Review status: criteria provided, single submitter. Criteria: Natera Variant Classification Schema (03/2026). Collection method: clinical testing. Allele origin: germline.
Comment: The c.301-2A>C variant in HBA1 is a canonical splice acceptor site variant predicted to affect pre-mRNA splicing, which may result in an abnormal transcript and altered protein product. This variant is expected to result in nonsense mediated decay, truncation, or a dysfunctional protein product. This variant is rare in the general population with a frequency below the threshold expected for the associated phenotype(s). Given the available evidence, this variant is classified as Likely Pathogenic.

NM_000558.5(HBA1):c.301-2A>C

Genes: HBA1 (hemoglobin subunit alpha 1; plus strand), LOC106804613 (hemoglobin subunit alpha 1 recombination region; plus strand). Cytogenetic location: 16p13.3.
Variant type: single nucleotide variant.
Coding change: c.301-2A>C on transcript NM_000558.5 (MANE Select); the canonical splice acceptor site of the intron before coding-DNA position 301, A replaced by C.
Molecular consequence: splice acceptor variant.
Genome position (GRCh38, 1-based): chr16:177,281, A>C. VCF-style: chr16-177281-A-C. GRCh37 (hg19) VCF-style: chr16-227280-A-C.
Identifiers: ClinVar variation 4814398 (VCV004814398.1).
Genomic context (GRCh38, chr16:177,281, plus strand): 5'-GTAGCGCAGGCGGCGGCTGCGGGCCTGGGCCCTCGGCCCCACTGACCCTCTTCTCTGCAC[A>C]GCTCCTAAGCCACTGCCTGCTGGTGACCCTGGCCGCCCACCTCCCCGCCGAGTTCACCCC-3'